The following is an entry in ClinVar:

ClinVar aggregate classification (germline): Uncertain significance (1 of 4 stars; one submission).

gnomAD v4.1: 3 of 1,613,378 alleles (0.00019%); highest among the groups gnomAD compares: Non-Finnish European, 0.00025%; no homozygotes.

Submission:

Ambry Genetics
Classification: Uncertain significance. Last evaluated: 2024-06-20. Review status: criteria provided, single submitter. Criteria: Ambry Variant Classification Scheme 2023. Collection method: clinical testing. Allele origin: germline.
Comment: The p.S448P variant (also known as c.1342T>C), located in coding exon 9 of the POLQ gene, results from a T to C substitution at nucleotide position 1342. The serine at codon 448 is replaced by proline, an amino acid with similar properties. This amino acid position is conserved. In addition, the in silico prediction for this alteration is inconclusive. Based on the available evidence, the clinical significance of this variant remains unclear.

NM_199420.4(POLQ):c.1342T>C (p.Ser448Pro)

Gene: POLQ (DNA polymerase theta; minus strand). Cytogenetic location: 3q13.33.
Variant type: single nucleotide variant.
Coding change: c.1342T>C on transcript NM_199420.4 (MANE Select); coding-DNA position 1342, T replaced by C.
Protein change: p.Ser448Pro; replaces serine 448 with proline.
Molecular consequence: missense variant.
Genome position (GRCh38, 1-based): chr3:121,519,997, A>G on the plus strand (T>C on the coding strand, the complement: POLQ is on the minus strand). VCF-style: chr3-121519997-A-G. GRCh37 (hg19) VCF-style: chr3-121238844-A-G.
Other names: short protein forms S448P.
Identifiers: ClinVar variation 3308740 (VCV003308740.1).